The following is an entry in ClinVar:

ClinVar aggregate classification (germline): Likely benign (1 of 4 stars; one submission).

Allele frequency attached by ClinVar (database versions not stated): gnomAD exomes below 0.00001.
gnomAD v4.1: 1 of 1,612,956 alleles (0.000062%); highest among the groups gnomAD compares: Non-Finnish European, 0.000085%; no homozygotes.

Submission:

CeGaT Center for Human Genetics Tuebingen
Classification: Likely benign. Last evaluated: 2024-02-01. Review status: criteria provided, single submitter. Criteria: CeGaT Center For Human Genetics Tuebingen Variant Classification Criteria Version 2. Collection method: clinical testing. Allele origin: germline. Affected: yes. Observed: 1 variant allele.
Comment: TTN: PM2:Supporting, BP4, BP7

NM_001267550.2(TTN):c.11311+3579T>C

Gene: TTN (titin; minus strand). Cytogenetic location: 2q31.2.
Variant type: single nucleotide variant.
Coding change: c.11311+3579T>C on transcript NM_001267550.2 (MANE Select); 3579 bases into the intron after coding-DNA position 11311, T replaced by C.
Molecular consequence: intron variant. On other transcripts: synonymous variant (1).
Genome position (GRCh38, 1-based): chr2:178,749,545, A>G on the plus strand (T>C on the coding strand, the complement: TTN is on the minus strand). VCF-style: chr2-178749545-A-G. GRCh37 (hg19) VCF-style: chr2-179614272-A-G.
Other names: c.12855T>C, p.His4285= (NM_133379.5); c.10222+3579T>C (NM_003319.4); c.10798+3579T>C (NM_133437.4); c.10597+3579T>C (NM_133432.3); c.10360+3579T>C (NM_133378.4, NM_001256850.1).
Identifiers: ClinVar variation 3025986 (VCV003025986.22), dbSNP rs2531302248, ClinGen allele CA2662155969.